The following is an entry in ClinVar:

ClinVar aggregate classification (germline): Uncertain significance (1 of 4 stars; one submission).

Submission:

GeneDx
Classification: Uncertain significance. Last evaluated: 2024-03-23. Review status: criteria provided, single submitter. Criteria: GeneDx Variant Classification Process June 2021. Collection method: clinical testing. Allele origin: germline. Affected: yes.
Comment: Not observed at significant frequency in large population cohorts (gnomAD); In silico analysis supports that this missense variant has a deleterious effect on protein structure/function; Has not been previously published as pathogenic or benign to our knowledge

NM_003128.3(SPTBN1):c.2860G>A (p.Ala954Thr)

Gene: SPTBN1 (spectrin beta, non-erythrocytic 1; plus strand). Cytogenetic location: 2p16.2.
Variant type: single nucleotide variant.
Coding change: c.2860G>A on transcript NM_003128.3 (MANE Select); coding-DNA position 2860, G replaced by A.
Protein change: p.Ala954Thr; replaces alanine 954 with threonine.
Molecular consequence: missense variant.
Genome position (GRCh38, 1-based): chr2:54,630,907, G>A. VCF-style: chr2-54630907-G-A. GRCh37 (hg19) VCF-style: chr2-54858044-G-A.
Other names: c.2821G>A, p.Ala941Thr (NM_178313.3); short protein forms A941T, A954T.
Identifiers: ClinVar variation 3370886 (VCV003370886.1).